The following is an entry in ClinVar:

NM_014391.3(ANKRD1):c.216G>T (p.Lys72Asn)

Gene: ANKRD1 (ankyrin repeat domain 1; minus strand). Cytogenetic location: 10q23.31.
Variant type: single nucleotide variant.
Coding change: c.216G>T on transcript NM_014391.3 (MANE Select); coding-DNA position 216, G replaced by T.
Protein change: p.Lys72Asn; replaces lysine 72 with asparagine.
Molecular consequence: missense variant.
Genome position (GRCh38, 1-based): chr10:90,919,260, C>A on the plus strand (G>T on the coding strand, the complement: ANKRD1 is on the minus strand). VCF-style: chr10-90919260-C-A. GRCh37 (hg19) VCF-style: chr10-92679017-C-A.
Other names: short protein forms K72N.
Identifiers: ClinVar variation 1016478 (VCV001016478.8), dbSNP rs1847407710, ClinGen allele CA377553064.
Genomic context (GRCh38, chr10:90,919,260, plus strand): 5'-TTGAATGATTATTTCAAGGTCTTCTAAATTTTCAAGCTTTGATCTTTGTTCTAGTTTTTT[C>A]TTTTTGAGCTAAAAAAGAAATTCGTATTTCAAAAATATGGTGAGTTCTACTGACAAGCAT-3'
Protein context (NP_055206.2, residues 62-82): SEKQREAELK[Lys72Asn]KKLEQRSKLE

ClinVar aggregate classification (germline): Uncertain significance (1 of 4 stars; one submission).

Conditions:
ANKRD1-related dilated cardiomyopathy. Identifiers: MedGen CN119551.

Submission:

Labcorp Genetics (formerly Invitae), Labcorp
Classification: Uncertain significance for ANKRD1-related dilated cardiomyopathy. Last evaluated: 2020-07-29. Review status: criteria provided, single submitter. Criteria: Invitae Variant Classification Sherloc (09022015). Collection method: clinical testing. Allele origin: germline.
Comment: This variant is not present in population databases (ExAC no frequency). In summary, the available evidence is currently insufficient to determine the role of this variant in disease. Therefore, it has been classified as a Variant of Uncertain Significance. Algorithms developed to predict the effect of missense changes on protein structure and function are either unavailable or do not agree on the potential impact of this missense change (SIFT: "Tolerated"; PolyPhen-2: "Possibly Damaging"; Align-GVGD: "Class C0"). This variant has not been reported in the literature in individuals with ANKRD1-related conditions. This sequence change replaces lysine with asparagine at codon 72 of the ANKRD1 protein (p.Lys72Asn). The lysine residue is moderately conserved and there is a moderate physicochemical difference between lysine and asparagine.